The following is an entry in ClinVar:

NM_006949.4(STXBP2):c.1108-3C>T

Gene: STXBP2 (syntaxin binding protein 2; plus strand). Cytogenetic location: 19p13.2.
Variant type: single nucleotide variant.
Coding change: c.1108-3C>T on transcript NM_006949.4 (MANE Select); 3 bases into the intron before coding-DNA position 1108, C replaced by T.
Molecular consequence: intron variant.
Genome position (GRCh38, 1-based): chr19:7,644,611, C>T. VCF-style: chr19-7644611-C-T. GRCh37 (hg19) VCF-style: chr19-7709497-C-T.
Other names: c.1141-3C>T (NM_001272034.2); c.1099-3C>T (NM_001127396.3).
Identifiers: ClinVar variation 1396735 (VCV001396735.6), dbSNP rs1475882314, ClinGen allele CA884227675.

ClinVar aggregate classification (germline): Uncertain significance (1 of 4 stars; one submission).

Conditions:
Familial hemophagocytic lymphohistiocytosis 5. Also called: STXBP2-Related Familial Hemophagocytic Lymphohistiocytosis (STXBP2-fHLH). Identifiers: Orphanet 540, MedGen C2751293, MONDO:0013135, OMIM 613101.

Allele frequency attached by ClinVar (database versions not stated): gnomAD exomes 0.00001; TOPMed 0.00001.
gnomAD v4.1: 14 of 1,612,102 alleles (0.00087%); highest among the groups gnomAD compares: Non-Finnish European, 0.0011%; no homozygotes.

Submission:

Labcorp Genetics (formerly Invitae), Labcorp
Classification: Uncertain significance for Familial hemophagocytic lymphohistiocytosis 5. Last evaluated: 2021-05-20. Review status: criteria provided, single submitter. Criteria: Invitae Variant Classification Sherloc (09022015). Collection method: clinical testing. Allele origin: germline.
Comment: Nucleotide substitutions within the consensus splice site are a relatively common cause of aberrant splicing (PMID: 17576681, 9536098). Algorithms developed to predict the effect of sequence changes on RNA splicing suggest that this variant may create or strengthen a splice site, but this prediction has not been confirmed by published transcriptional studies. In summary, the available evidence is currently insufficient to determine the role of this variant in disease. Therefore, it has been classified as a Variant of Uncertain Significance. This sequence change falls in intron 13 of the STXBP2 gene. It does not directly change the encoded amino acid sequence of the STXBP2 protein. It affects a nucleotide within the consensus splice site of the intron. This variant is not present in population databases (ExAC no frequency). This variant has not been reported in the literature in individuals with STXBP2-related conditions.

Literature cited by the submitters: PubMed 17576681; PubMed 9536098.